The following is an entry in ClinVar:

NM_001378964.1(CDON):c.1619G>T (p.Arg540Ile)

Gene: CDON (cell adhesion associated, oncogene regulated; minus strand). Cytogenetic location: 11q24.2.
Variant type: single nucleotide variant.
Coding change: c.1619G>T on transcript NM_001378964.1 (MANE Select); coding-DNA position 1619, G replaced by T.
Protein change: p.Arg540Ile; replaces arginine 540 with isoleucine.
Molecular consequence: missense variant.
Genome position (GRCh38, 1-based): chr11:126,005,991, C>A on the plus strand (G>T on the coding strand, the complement: CDON is on the minus strand). VCF-style: chr11-126005991-C-A. GRCh37 (hg19) VCF-style: chr11-125875886-C-A.
Other names: c.1619G>T, p.Arg540Ile (NM_001243597.3, NM_016952.6); short protein forms R540I.
Identifiers: ClinVar variation 2730050 (VCV002730050.4), dbSNP rs148304849, ClinGen allele CA6351982.

ClinVar aggregate classification (germline): Conflicting classifications of pathogenicity. Review status: criteria provided, conflicting classifications (1 of 4 stars). 2 submissions from 2 submitters: Uncertain significance (1); Likely benign (1). Last evaluated 2022-11-28.

Conditions:
Intellectual disability. Also called: Intellectual functioning disability; intellectual disabilities; Intellectual developmental disorder. Identifiers: MedGen C3714756, MeSH D008607, MONDO:0001071, HP:0001249.
Holoprosencephaly 11 (HPE11). Identifiers: Orphanet 2162, MedGen C3280215, MONDO:0013642, OMIM 614226.

gnomAD v4.1: 73 of 1,614,022 alleles (0.0045%); highest among the groups gnomAD compares: Non-Finnish European, 0.0058%; no homozygotes.

Submissions (2):

Labcorp Genetics (formerly Invitae), Labcorp
Classification: Uncertain significance for Holoprosencephaly 11. Last evaluated: 2022-11-28. Review status: criteria provided, single submitter. Criteria: Invitae Variant Classification Sherloc (09022015). Collection method: clinical testing. Allele origin: germline.
Comment: In summary, the available evidence is currently insufficient to determine the role of this variant in disease. Therefore, it has been classified as a Variant of Uncertain Significance. Algorithms developed to predict the effect of missense changes on protein structure and function are either unavailable or do not agree on the potential impact of this missense change (SIFT: "Tolerated"; PolyPhen-2: "Possibly Damaging"; Align-GVGD: "Class C0"). This variant has not been reported in the literature in individuals affected with CDON-related conditions. This variant is present in population databases (rs148304849, gnomAD 0.009%). This sequence change replaces arginine, which is basic and polar, with isoleucine, which is neutral and non-polar, at codon 540 of the CDON protein (p.Arg540Ile).

Cambridge Genomics Laboratory, East Genomic Laboratory Hub, NHS Genomic Medicine Service
Classification: Likely benign for Intellectual disability. Last evaluated: 2020-03-20. Review status: criteria provided, single submitter. Criteria: ACGS Best Practice Guidelines for Variant Classification in Rare Disease 2020. Collection method: clinical testing. Allele origin: germline. Affected: yes. Observed: 1 variant allele.